The following is an entry in ClinVar:

ClinVar aggregate classification (germline): Uncertain significance (1 of 4 stars; one submission).

Conditions:
Isolated microphthalmia 5. Also called: Posterior Microphthalmia with Retinitis Pigmentosa, Foveoschisis, and Optic Disc Drusen. Identifiers: Orphanet 251279, MedGen C1970236, MONDO:0012605, OMIM 611040.

Allele frequency attached by ClinVar (database versions not stated): gnomAD exomes below 0.00001; TOPMed below 0.00001; ExAC 0.00001.
gnomAD v4.1: 2 of 1,613,858 alleles (0.00012%); highest among the groups gnomAD compares: Admixed American, 0.0033%; no homozygotes.

Submission:

Labcorp Genetics (formerly Invitae), Labcorp
Classification: Uncertain significance for Isolated microphthalmia 5. Last evaluated: 2022-05-26. Review status: criteria provided, single submitter. Criteria: Invitae Variant Classification Sherloc (09022015). Collection method: clinical testing. Allele origin: germline.
Comment: In summary, the available evidence is currently insufficient to determine the role of this variant in disease. Therefore, it has been classified as a Variant of Uncertain Significance. Algorithms developed to predict the effect of missense changes on protein structure and function output the following: SIFT: "Tolerated"; PolyPhen-2: "Benign"; Align-GVGD: "Class C0". The threonine amino acid residue is found in multiple mammalian species, which suggests that this missense change does not adversely affect protein function. ClinVar contains an entry for this variant (Variation ID: 1036015). This variant has not been reported in the literature in individuals affected with MFRP-related conditions. This variant is present in population databases (rs756504576, gnomAD 0.003%). This sequence change replaces alanine, which is neutral and non-polar, with threonine, which is neutral and polar, at codon 43 of the MFRP protein (p.Ala43Thr).

NM_031433.4(MFRP):c.127G>A (p.Ala43Thr)

Genes: C1QTNF5 (C1q and TNF related 5; minus strand), MFRP (membrane frizzled-related protein; minus strand). Cytogenetic location: 11q23.3.
Variant type: single nucleotide variant.
Coding change: c.127G>A on transcript NM_031433.4 (MANE Select); coding-DNA position 127, G replaced by A.
Protein change: p.Ala43Thr; replaces alanine 43 with threonine.
Molecular consequence: missense variant. On other transcripts: 5 prime UTR variant (1).
Genome position (GRCh38, 1-based): chr11:119,346,302, C>T on the plus strand (G>A on the coding strand, the complement: MFRP is on the minus strand). VCF-style: chr11-119346302-C-T. GRCh37 (hg19) VCF-style: chr11-119217012-C-T.
Other names: c.-2510G>A (NM_015645.5); short protein forms A43T.
Identifiers: ClinVar variation 1036015 (VCV001036015.9), dbSNP rs756504576, ClinGen allele CA6320702.
Genomic context (GRCh38, chr11:119,346,302, plus strand): 5'-CTCCCCCAGGTCACCCCCTGGGATGGTTACCATGCCAGGGAGCTGGGACGCTGTAGCTGG[C>T]ATCCTCTGGGAAAACTGGGGGAGGGCAGGGTGGCCCAGACTCAGGCTCGAAGGCAGGATT-3'
Protein context (NP_113621.1, residues 33-53): PCPPPVFPED[Ala43Thr]SYSVPAPWHG